The following is an entry in ClinVar:

ClinVar aggregate classification (germline): Pathogenic. Review status: criteria provided, multiple submitters, no conflicts (2 of 4 stars). 2 submissions from 2 submitters: Pathogenic (2). Last evaluated 2025-11-13.

Conditions:
Neurofibromatosis, type 1 (NF1). Also called: VON RECKLINGHAUSEN DISEASE; NEUROFIBROMATOSIS, TYPE I, SOMATIC; Peripheral type neurofibromatosis; Neurofibromatosis, type I. Identifiers: Orphanet 636, MedGen C0027831, MONDO:0018975, OMIM 162200. Disease mechanism: loss of function.

Allele frequency attached by ClinVar (database versions not stated): gnomAD exomes below 0.00001.
gnomAD v4.1: 1 of 1,539,506 alleles (0.000065%); highest among the groups gnomAD compares: Non-Finnish European, 0.000087%; no homozygotes.

Submissions (2):

Labcorp Genetics (formerly Invitae), Labcorp
Classification: Pathogenic for Neurofibromatosis, type 1. Last evaluated: 2025-11-13. Review status: criteria provided, single submitter. Criteria: Invitae Variant Classification Sherloc (09022015). Collection method: clinical testing. Allele origin: germline.
Comment: This sequence change creates a premature translational stop signal (p.Trp9*) in the NF1 gene. It is expected to result in an absent or disrupted protein product. Loss-of-function variants in NF1 are known to be pathogenic (PMID: 10712197, 23913538). This variant is not present in population databases (gnomAD no frequency). This premature translational stop signal has been observed in individuals with neurofibromatosis type 1 (PMID: 10712197). ClinVar contains an entry for this variant (Variation ID: 567193). For these reasons, this variant has been classified as Pathogenic.

GeneDx
Classification: Pathogenic. Last evaluated: 2024-09-25. Review status: criteria provided, single submitter. Criteria: GeneDx Variant Classification Process June 2021. Collection method: clinical testing. Allele origin: germline. Affected: yes.
Comment: Nonsense variant predicted to result in protein truncation or nonsense mediated decay in a gene for which loss of function is a known mechanism of disease; Not observed at significant frequency in large population cohorts (gnomAD); This variant is associated with the following publications: (PMID: 34476477, 10712197, 35945463)

Literature cited by the submitters: PubMed 10712197 (cited by Labcorp Genetics (formerly Invitae), Labcorp); PubMed 23913538 (cited by Labcorp Genetics (formerly Invitae), Labcorp).

NM_001042492.3(NF1):c.26G>A (p.Trp9Ter)

Genes: MIR4733HG (MIR4733 host gene; minus strand), NF1 (neurofibromin 1; plus strand), LOC111811965 (NF1 (neurofibromin 1) promoter region; plus strand). Cytogenetic location: 17q11.2.
Variant type: single nucleotide variant.
Coding change: c.26G>A on transcript NM_001042492.3 (MANE Select); coding-DNA position 26, G replaced by A.
Protein change: p.Trp9Ter; replaces tryptophan 9 with a stop codon.
Molecular consequence: nonsense. On other transcripts: non-coding transcript variant (1).
Genome position (GRCh38, 1-based): chr17:31,095,335, G>A. VCF-style: chr17-31095335-G-A. GRCh37 (hg19) VCF-style: chr17-29422353-G-A.
Other names: c.26G>A, p.Trp9Ter (NM_000267.4, NM_001128147.3); short protein forms W9*.
Identifiers: ClinVar variation 567193 (VCV000567193.7), dbSNP rs1567786829, ClinGen allele CA398979266.
Genomic context (GRCh38, chr17:31,095,335, plus strand): 5'-CCTTCCCTCCGCCGCCCCCCGGCCGCGGGGAGGACATGGCCGCGCACAGGCCGGTGGAAT[G>A]GGTCCAGGCCGTGGTCAGCCGCTTCGACGAGCAGGTAACCGGCCCGTGGCGGGCGGGAGG-3'